The following is an entry in ClinVar:

NM_000051.4(ATM):c.7867C>T (p.Leu2623Phe)

Genes: ATM (ATM serine/threonine kinase; plus strand), C11orf65 (chromosome 11 open reading frame 65; minus strand). Cytogenetic location: 11q22.3.
Variant type: single nucleotide variant.
Coding change: c.7867C>T on transcript NM_000051.4 (MANE Select); coding-DNA position 7867, C replaced by T.
Protein change: p.Leu2623Phe; replaces leucine 2623 with phenylalanine.
Molecular consequence: missense variant. On other transcripts: intron variant (2).
Genome position (GRCh38, 1-based): chr11:108,332,840, C>T. VCF-style: chr11-108332840-C-T. GRCh37 (hg19) VCF-style: chr11-108203567-C-T.
Other names: c.641-23769G>A (NM_001330368.2); c.*38+2380G>A (NM_001351110.2); c.7867C>T, p.Leu2623Phe (NM_001351834.2); short protein forms L2623F.
Identifiers: ClinVar variation 827297 (VCV000827297.12), dbSNP rs774118570, ClinGen allele CA382561405.

ClinVar aggregate classification (germline): Uncertain significance. Review status: criteria provided, multiple submitters, no conflicts (2 of 4 stars). 5 submissions from 5 submitters: Uncertain significance (5). Last evaluated 2023-04-27.

Conditions:
Familial cancer of breast. Also called: Hereditary breast cancer; BREAST CANCER, FAMILIAL; hereditary breast carcinoma. Identifiers: Orphanet 227535, MedGen C0346153, MONDO:0016419, OMIM 114480. Disease mechanism: loss of function.
Hereditary cancer-predisposing syndrome. Also called: Tumor predisposition; Neoplastic Syndromes, Hereditary; Hereditary Cancer Syndrome; Hereditary neoplastic syndrome. Identifiers: Orphanet 140162, MedGen C0027672, MeSH D009386, MONDO:0015356.
Ataxia-telangiectasia syndrome (AT). Also called: ATAXIA-TELANGIECTASIA, COMPLEMENTATION GROUP A; ATAXIA-TELANGIECTASIA, FRESNO VARIANT; Ataxia-telangiectasia; Ataxia-telangiectasia, complementation group D; AT, COMPLEMENTATION GROUP C; Ataxia-telangiectasia, complementation group E. Identifiers: Orphanet 100, MedGen C0004135, MONDO:0008840, OMIM 208900.

Submissions (5):

Baylor Genetics
Classification: Uncertain significance for Familial cancer of breast. Last evaluated: 2023-04-27. Review status: criteria provided, single submitter. Criteria: ACMG Guidelines, 2015. Collection method: clinical testing. Allele origin: unknown.

GeneDx
Classification: Uncertain significance. Last evaluated: 2023-03-22. Review status: criteria provided, single submitter. Criteria: GeneDx Variant Classification Process June 2021. Collection method: clinical testing. Allele origin: germline. Affected: yes.
Comment: Not observed at significant frequency in large population cohorts (gnomAD); In silico analysis supports that this missense variant has a deleterious effect on protein structure/function; Has not been previously published as pathogenic or benign to our knowledge; This variant is associated with the following publications: (PMID: 26787654)

Labcorp Genetics (formerly Invitae), Labcorp
Classification: Uncertain significance for Ataxia-telangiectasia syndrome. Last evaluated: 2022-11-29. Review status: criteria provided, single submitter. Criteria: Invitae Variant Classification Sherloc (09022015). Collection method: clinical testing. Allele origin: germline.
Comment: In summary, the available evidence is currently insufficient to determine the role of this variant in disease. Therefore, it has been classified as a Variant of Uncertain Significance. Algorithms developed to predict the effect of missense changes on protein structure and function are either unavailable or do not agree on the potential impact of this missense change (SIFT: "Deleterious"; PolyPhen-2: "Probably Damaging"; Align-GVGD: "Class C15"). ClinVar contains an entry for this variant (Variation ID: 827297). This variant has not been reported in the literature in individuals affected with ATM-related conditions. This variant is not present in population databases (gnomAD no frequency). This sequence change replaces leucine, which is neutral and non-polar, with phenylalanine, which is neutral and non-polar, at codon 2623 of the ATM protein (p.Leu2623Phe).

Color Diagnostics, LLC DBA Color Health
Classification: Uncertain significance for Hereditary cancer-predisposing syndrome. Last evaluated: 2022-11-07. Review status: criteria provided, single submitter. Criteria: ACMG Guidelines, 2015. Collection method: clinical testing. Allele origin: germline.
Comment: This missense variant replaces leucine with phenylalanine at codon 2623 of the ATM protein. Computational prediction is inconclusive regarding the impact of this variant on protein structure and function (internally defined REVEL score threshold 0.5 < inconclusive < 0.7, PMID: 27666373). To our knowledge, functional studies have not been reported for this variant. This variant has not been reported in individuals affected with ATM-related disorders in the literature. This variant has not been identified in the general population by the Genome Aggregation Database (gnomAD). The available evidence is insufficient to determine the role of this variant in disease conclusively. Therefore, this variant is classified as a Variant of Uncertain Significance.

Ambry Genetics
Classification: Uncertain significance for Hereditary cancer-predisposing syndrome. Last evaluated: 2018-01-18. Review status: criteria provided, single submitter. Criteria: Ambry Variant Classification Scheme 2023. Collection method: clinical testing. Allele origin: germline.
Comment: The p.L2623F variant (also known as c.7867C>T), located in coding exon 52 of the ATM gene, results from a C to T substitution at nucleotide position 7867. The leucine at codon 2623 is replaced by phenylalanine, an amino acid with highly similar properties. This amino acid position is highly conserved in available vertebrate species. In addition, the in silico prediction for this alteration is inconclusive. Since supporting evidence is limited at this time, the clinical significance of this alteration remains unclear.